The following is an entry in ClinVar:

ClinVar aggregate classification (germline): Likely pathogenic (1 of 4 stars; one submission).

Submission:

Labcorp Genetics (formerly Invitae), Labcorp
Classification: Likely pathogenic. Last evaluated: 2024-09-01. Review status: criteria provided, single submitter. Criteria: Invitae Variant Classification Sherloc (09022015). Collection method: clinical testing. Allele origin: germline.
Comment: This sequence change affects a donor splice site in intron 3 of the HTRA1 gene. It is expected to disrupt RNA splicing. Variants that disrupt the donor or acceptor splice site typically lead to a loss of protein function (PMID: 16199547), and loss-of-function variants in HTRA1 are known to be pathogenic (PMID: 19387015, 29895533). This variant is present in population databases (rs370332995, gnomAD 0.003%). This variant has not been reported in the literature in individuals affected with HTRA1-related conditions. Algorithms developed to predict the effect of sequence changes on RNA splicing suggest that this variant may disrupt the consensus splice site. In summary, the currently available evidence indicates that the variant is pathogenic, but additional data are needed to prove that conclusively. Therefore, this variant has been classified as Likely Pathogenic.

Literature cited by the submitters: PubMed 16199547; PubMed 19387015; PubMed 29895533.

NM_002775.5(HTRA1):c.777+1G>A

Gene: HTRA1 (HtrA serine peptidase 1; plus strand). Cytogenetic location: 10q26.13.
Variant type: single nucleotide variant.
Coding change: c.777+1G>A on transcript NM_002775.5 (MANE Select); the canonical splice donor site of the intron after coding-DNA position 777, G replaced by A.
Molecular consequence: splice donor variant.
Genome position (GRCh38, 1-based): chr10:122,489,627, G>A. VCF-style: chr10-122489627-G-A. GRCh37 (hg19) VCF-style: chr10-124249143-G-A.
Identifiers: ClinVar variation 3619745 (VCV003619745.1).